The following is an entry in ClinVar:

NM_005236.3(ERCC4):c.187A>C (p.Asn63His)

Genes: ERCC4 (ERCC excision repair 4, endonuclease catalytic subunit; plus strand), LOC130058543 (ATAC-STARR-seq lymphoblastoid active region 10486; plus strand). Cytogenetic location: 16p13.12.
Variant type: single nucleotide variant.
Coding change: c.187A>C on transcript NM_005236.3 (MANE Select); coding-DNA position 187, A replaced by C.
Protein change: p.Asn63His; replaces asparagine 63 with histidine.
Molecular consequence: missense variant.
Genome position (GRCh38, 1-based): chr16:13,920,352, A>C. VCF-style: chr16-13920352-A-C. GRCh37 (hg19) VCF-style: chr16-14014209-A-C.
Other names: short protein forms N63H.
Identifiers: ClinVar variation 1696267 (VCV001696267.6), dbSNP rs1203098300, ClinGen allele CA394816526.

ClinVar aggregate classification (germline): Uncertain significance. Review status: criteria provided, multiple submitters, no conflicts (2 of 4 stars). 2 submissions from 2 submitters: Uncertain significance (2). Last evaluated 2024-04-11.

Conditions:
Xeroderma pigmentosum, group F (XPF). Also called: XERODERMA PIGMENTOSUM, COMPLEMENTATION GROUP F; ERCC4-Related Xeroderma Pigmentosum; XERODERMA PIGMENTOSUM, TYPE F; Xeroderma pigmentosum, type 6; XERODERMA PIGMENTOSUM VI; XP, GROUP F. Identifiers: MedGen C0268140, MONDO:0010215, OMIM 278760.
Cockayne syndrome. Identifiers: Orphanet 191, MedGen C0009207, MONDO:0016006.
Fanconi anemia complementation group Q. Identifiers: Orphanet 84, MedGen C3808988, MONDO:0014108, OMIM 615272.

Submissions (2):

Labcorp Genetics (formerly Invitae), Labcorp
Classification: Uncertain significance for Fanconi anemia complementation group Q; Xeroderma pigmentosum, group F; Cockayne syndrome. Last evaluated: 2024-04-11. Review status: criteria provided, single submitter. Criteria: Invitae Variant Classification Sherloc (09022015). Collection method: clinical testing. Allele origin: germline.
Comment: This sequence change replaces asparagine, which is neutral and polar, with histidine, which is basic and polar, at codon 63 of the ERCC4 protein (p.Asn63His). This variant is not present in population databases (gnomAD no frequency). This variant has not been reported in the literature in individuals affected with ERCC4-related conditions. ClinVar contains an entry for this variant (Variation ID: 1696267). Advanced modeling of protein sequence and biophysical properties (such as structural, functional, and spatial information, amino acid conservation, physicochemical variation, residue mobility, and thermodynamic stability) performed at Invitae indicates that this missense variant is expected to disrupt ERCC4 protein function with a positive predictive value of 80%. In summary, the available evidence is currently insufficient to determine the role of this variant in disease. Therefore, it has been classified as a Variant of Uncertain Significance.

Women's Health and Genetics/Laboratory Corporation of America, LabCorp
Classification: Uncertain significance. Last evaluated: 2022-05-03. Review status: criteria provided, single submitter. Criteria: LabCorp Variant Classification Summary - May 2015. Collection method: clinical testing. Allele origin: germline.